The following is an entry in ClinVar:

ClinVar aggregate classification (germline): Conflicting classifications of pathogenicity. Review status: criteria provided, conflicting classifications (1 of 4 stars). 6 submissions from 6 submitters: Uncertain significance (2); Likely benign (2). 2 of the submissions do not count toward it. Last evaluated 2025-07-27.

Conditions:
Primary familial hypertrophic cardiomyopathy (HCM). Identifiers: Orphanet 99739, MedGen C0949658, MeSH D024741, MONDO:0024573. Inheritance: Various modes of inheritance.

Allele frequency attached by ClinVar (database versions not stated): gnomAD exomes below 0.00001 and 0.00001; TOPMed 0.00001.
gnomAD v4.1: 18 of 1,614,184 alleles (0.0011%); highest among the groups gnomAD compares: Middle Eastern, 0.23%; no homozygotes.

Submissions (6):

Labcorp Genetics (formerly Invitae), Labcorp
Classification: Uncertain significance for Primary familial hypertrophic cardiomyopathy. Last evaluated: 2025-07-27. Review status: criteria provided, single submitter. Criteria: Invitae Variant Classification Sherloc (09022015). Collection method: clinical testing. Allele origin: germline.
Comment: This sequence change replaces glutamic acid, which is acidic and polar, with glycine, which is neutral and non-polar, at codon 153 of the ILK protein (p.Glu153Gly). This variant is present in population databases (no rsID available, gnomAD 0.0009%). This variant has not been reported in the literature in individuals affected with ILK-related conditions. ClinVar contains an entry for this variant (Variation ID: 449611). An algorithm developed to predict the effect of missense changes on protein structure and function (PolyPhen-2) suggests that this variant is likely to be tolerated. In summary, the available evidence is currently insufficient to determine the role of this variant in disease. Therefore, it has been classified as a Variant of Uncertain Significance.

Blueprint Genetics
Classification: Uncertain significance. Last evaluated: 2024-07-01. Review status: criteria provided, single submitter. Criteria: ACMG Guidelines, 2015. Collection method: clinical testing. Allele origin: germline.

GeneDx
Classification: Likely benign. Last evaluated: 2018-08-10. Review status: criteria provided, single submitter. Criteria: GeneDx Variant Classification Process June 2021. Collection method: clinical testing. Allele origin: germline. Affected: yes.
Comment: This variant is associated with the following publications: (PMID: 28454995)

Breakthrough Genomics
Classification: Likely benign. Review status: criteria provided, single submitter. Criteria: ACMG Guidelines, 2015. Collection method: not provided. Allele origin: germline. Inheritance: Unknown mechanism. Affected: yes.

Joint Genome Diagnostic Labs from Nijmegen and Maastricht, Radboudumc and MUMC+
Classification: Uncertain significance. Review status: no assertion criteria provided. Collection method: clinical testing. Allele origin: germline. Affected: yes. Study: VKGL Data-share Consensus. Not counted in ClinVar's aggregate classification.

Laboratory of Diagnostic Genome Analysis, Leiden University Medical Center (LUMC)
Classification: Uncertain significance. Review status: no assertion criteria provided. Collection method: clinical testing. Allele origin: germline. Affected: yes. Study: VKGL Data-share Consensus. Not counted in ClinVar's aggregate classification.

NM_004517.4(ILK):c.458A>G (p.Glu153Gly)

Genes: ILK (integrin linked kinase; plus strand), TAF10 (TATA-box binding protein associated factor 10; minus strand). Cytogenetic location: 11p15.4.
Variant type: single nucleotide variant.
Coding change: c.458A>G on transcript NM_004517.4 (MANE Select); coding-DNA position 458, A replaced by G.
Protein change: p.Glu153Gly; replaces glutamic acid 153 with glycine.
Molecular consequence: missense variant. On other transcripts: 3 prime UTR variant (1).
Genome position (GRCh38, 1-based): chr11:6,608,893, A>G. VCF-style: chr11-6608893-A-G. GRCh37 (hg19) VCF-style: chr11-6630124-A-G.
Other names: c.458A>G, p.Glu153Gly (NM_001014794.3, NM_001014795.3); c.361A>G, p.Arg121Gly (NM_001278441.2); c.56A>G, p.Glu19Gly (NM_001278442.2); c.*2029T>C (NM_006284.4); short protein forms E153G, E19G, R121G.
Identifiers: ClinVar variation 449611 (VCV000449611.10), dbSNP rs867451051, ClinGen allele CA217313834.